The following is an entry in ClinVar:

ClinVar aggregate classification (germline): Uncertain significance (1 of 4 stars; one submission).

Submission:

Greenwood Genetic Center Diagnostic Laboratories, Greenwood Genetic Center
Classification: Uncertain significance. Last evaluated: 2022-05-20. Review status: criteria provided, single submitter. Criteria: ACMG Guidelines, 2015. Collection method: clinical testing. Allele origin: germline. Affected: yes.
Comment: Gene of Uncertain Significance

NM_001290047.2(CECR2):c.1226dup (p.Thr410fs)

Gene: CECR2 (CECR2 histone acetyl-lysine reader; plus strand). Cytogenetic location: 22q11.21.
Variant type: Duplication.
Coding change: c.1226dup on transcript NM_001290047.2 (MANE Select); coding-DNA position 1226, one base duplicated (A; older notation c.1226dupA).
Protein change: p.Thr410fs; shifts the reading frame from threonine 410.
Molecular consequence: frameshift variant.
Genome position (GRCh38, 1-based): chr22:17,537,220, A duplicated; the last of 7 consecutive A bases (chr22:17,537,214-17,537,220); duplicating any one gives the same sequence. VCF-style (leftmost placement, unchanged base first): chr22-17537213-G-GA. GRCh37 (hg19) VCF-style: chr22-18016902-G-GA.
Other names: c.737dup, p.Thr247fs (NM_001290046.2); short protein forms T247fs, T410fs.
Identifiers: ClinVar variation 1703059 (VCV001703059.3), dbSNP rs2517864754, ClinGen allele CA2580099064.